The following is an entry in ClinVar:

NM_000400.4(ERCC2):c.2269G>A (p.Ala757Thr)

Gene: ERCC2 (ERCC excision repair 2, TFIIH core complex helicase subunit; minus strand). Cytogenetic location: 19q13.32.
Variant type: single nucleotide variant.
Coding change: c.2269G>A on transcript NM_000400.4 (MANE Select); coding-DNA position 2269, G replaced by A.
Protein change: p.Ala757Thr; replaces alanine 757 with threonine.
Molecular consequence: missense variant.
Genome position (GRCh38, 1-based): chr19:45,351,643, C>T on the plus strand (G>A on the coding strand, the complement: ERCC2 is on the minus strand). VCF-style: chr19-45351643-C-T. GRCh37 (hg19) VCF-style: chr19-45854901-C-T.
Other names: short protein forms A757T.
Identifiers: ClinVar variation 2624812 (VCV002624812.2), dbSNP rs1217276240, ClinGen allele CA406360230.

ClinVar aggregate classification (germline): Uncertain significance (1 of 4 stars; one submission).

Conditions:
Inborn genetic diseases. Identifiers: MedGen C0950123, MeSH D030342.

Submission:

Ambry Genetics
Classification: Uncertain significance for Inborn genetic diseases. Last evaluated: 2023-07-26. Review status: criteria provided, single submitter. Criteria: Ambry Variant Classification Scheme 2023. Collection method: clinical testing. Allele origin: germline.
Comment: The p.A757T variant (also known as c.2269G>A), located in coding exon 23 of the ERCC2 gene, results from a G to A substitution at nucleotide position 2269. The alanine at codon 757 is replaced by threonine, an amino acid with similar properties. This amino acid position is conserved. In addition, the in silico prediction for this alteration is inconclusive. Since supporting evidence is limited at this time, the clinical significance of this alteration remains unclear.